The following is an entry in ClinVar:

ClinVar aggregate classification (germline): Pathogenic/Likely pathogenic. Review status: criteria provided, multiple submitters, no conflicts (2 of 4 stars). 7 submissions from 7 submitters: Pathogenic (6); Likely pathogenic (1). Last evaluated 2025-12-01.

Conditions:
BTD-related disorder. Also called: BTD-related condition.
Biotinidase deficiency. Also called: Biotin deficiency; BTD deficiency; Late-onset biotin-responsive multiple carboxylase deficiency. Identifiers: Orphanet 79241, MedGen C0220754, MONDO:0009665, OMIM 253260.

Allele frequency attached by ClinVar (database versions not stated): gnomAD exomes 0.00001; TOPMed 0.00001; gnomAD 0.00001; ExAC 0.00002.
gnomAD v4.1: 23 of 1,614,034 alleles (0.0014%); highest among the groups gnomAD compares: Non-Finnish European, 0.0018%; no homozygotes.

Submissions (8):

Labcorp Genetics (formerly Invitae), Labcorp
Classification: Pathogenic for Biotinidase deficiency. Last evaluated: 2025-12-01. Review status: criteria provided, single submitter. Criteria: Invitae Variant Classification Sherloc (09022015). Collection method: clinical testing. Allele origin: germline.
Comment: This sequence change replaces valine, which is neutral and non-polar, with methionine, which is neutral and non-polar, at codon 62 of the BTD protein (p.Val62Met). This variant is present in population databases (rs397507170, gnomAD 0.006%). This missense change has been observed in individual(s) with biotinidase deficiency (PMID: 11313766, 15060693, 17185019, 22698809). ClinVar contains an entry for this variant (Variation ID: 38487). Invitae Evidence Modeling of protein sequence and biophysical properties (such as structural, functional, and spatial information, amino acid conservation, physicochemical variation, residue mobility, and thermodynamic stability) indicates that this missense variant is expected to disrupt BTD protein function with a positive predictive value of 95%. For these reasons, this variant has been classified as Pathogenic.

Natera, Inc.
Classification: Pathogenic for Biotinidase deficiency. Last evaluated: 2025-04-04. Review status: criteria provided, single submitter. Criteria: Natera Variant Classification Schema (03/2026). Collection method: clinical testing. Allele origin: germline.
Comment: The c.124G>A variant in BTD is a missense variant predicted to cause substitution of valine to methionine at amino acid 22. This variant is rare in the general population with a frequency below the threshold expected for the associated phenotype(s). This variant has been observed in one or more individuals affected with the associated recessive disease, as either homozygous or compound heterozygous with a second variant (PMID: 33134520, 34136440, 11313766, 15060693, 35805799). Computational prediction algorithms indicate this variant is likely to affect gene or protein function. Given the available evidence, this variant is classified as Pathogenic.

PreventionGenetics, part of Exact Sciences
Classification: Pathogenic for BTD-related condition. Last evaluated: 2025-03-19. Review status: criteria provided, single submitter. Criteria: ACMG Guidelines, 2015. Collection method: clinical testing. Allele origin: germline.
Comment: The BTD c.184G>A variant is predicted to result in the amino acid substitution p.Val62Met. This variant has been reported with other BTD variants in multiple individuals with confirmed profound or partial biotinidase deficiency or a positive newborn screening test for biotinidase deficiency (see for examples, Mühl et al. 2001. PubMed ID: 11313766; Milánkovics et al. 2006. PubMed ID: 17185019; Semeraro et al. 2022. PubMed ID: 35805799). In at least one individual, the variant was confirmed to be in the compound heterozygous state with a second pathogenic BTD variant (c.832C>G, p.Leu278Val) in an individual with profound biotinidase deficiency (Radelfahr et al. 2020. PubMed ID: 33134520). An alternate missense substitution affecting the same amino acid (p.Val62Leu) has been reported in at least two individuals with biotinidase deficiency (Norrgard et al. 1999. PubMed ID: 10400129; Wolf et al. 2017. PubMed ID: 27657684). This variant is reported in 0.0054% of alleles in individuals of East Asian descent in gnomAD. In summary, the c.184G>A (p.Val62Met) variant is interpreted as pathogenic.

Greenwood Genetic Center Diagnostic Laboratories, Greenwood Genetic Center
Classification: Pathogenic for Biotinidase deficiency. Last evaluated: 2024-11-12. Review status: criteria provided, single submitter. Criteria: ACMG Guidelines, 2015. Collection method: clinical testing. Allele origin: germline. Affected: yes.
Comment: PM3_very strong, PS3, PM2, PP3,

Fulgent Genetics
Classification: Pathogenic for Biotinidase deficiency. Last evaluated: 2023-12-23. Review status: criteria provided, single submitter. Criteria: ACMG Guidelines, 2015. Collection method: clinical testing. Allele origin: germline.

Revvity Omics, Revvity
Classification: Likely pathogenic for Biotinidase deficiency. Last evaluated: 2020-06-15. Review status: criteria provided, single submitter. Criteria: ACMG Guidelines, 2015. Collection method: clinical testing. Allele origin: germline.

Institute of Human Genetics Munich, TUM University Hospital
Classification: Pathogenic for Biotinidase deficiency. Last evaluated: 2018-07-16. Review status: criteria provided, single submitter. Criteria: Classification criteria August 2017. Collection method: clinical testing. Allele origin: maternal. Inheritance: Autosomal recessive inheritance. Affected: yes. Observed: 1 compound heterozygote.

Dr. Peter K. Rogan Lab, Western University
No classification provided (evidence only). Condition: Colon adenocarcinoma. Review status: no classification provided. Collection method: in vitro. Allele origin: not applicable. Functional consequence: skipped exon. Not counted in ClinVar's aggregate classification.

Literature cited by the submitters: PubMed 11313766 (cited by Labcorp Genetics (formerly Invitae), Labcorp and Natera, Inc.); PubMed 15060693 (cited by Labcorp Genetics (formerly Invitae), Labcorp and Natera, Inc.); PubMed 17185019 (cited by Labcorp Genetics (formerly Invitae), Labcorp); PubMed 22698809 (cited by Labcorp Genetics (formerly Invitae), Labcorp); PubMed 33134520 (cited by Natera, Inc.); PubMed 34136440 (cited by Natera, Inc.); PubMed 35805799 (cited by Natera, Inc.).

NM_001370658.1(BTD):c.124G>A (p.Val42Met)

Gene: BTD (biotinidase; plus strand). Cytogenetic location: 3p25.1.
Variant type: single nucleotide variant.
Coding change: c.124G>A on transcript NM_001370658.1 (MANE Select); coding-DNA position 124, G replaced by A.
Protein change: p.Val42Met; replaces valine 42 with methionine.
Molecular consequence: missense variant.
Genome position (GRCh38, 1-based): chr3:15,635,563, G>A. VCF-style: chr3-15635563-G-A. GRCh37 (hg19) VCF-style: chr3-15677070-G-A.
Other names: V62M; c.184G>A, p.Val62Met (NM_000060.4); c.124G>A, p.Val42Met (NM_001281723.4, NM_001281724.3, NM_001281725.3 and 37 more transcripts); short protein forms V42M.
Identifiers: ClinVar variation 38487 (VCV000038487.25), dbSNP rs397507170, ClinGen allele CA278152.
Genomic context (GRCh38, chr3:15,635,563, plus strand): 5'-GCCCACACCGGGGAGGAGAGCGTGGCTGACCATCACGAGGCTGAATATTATGTGGCTGCC[G>A]TGTATGAGCATCCATCCATCCTGAGTCTGAACCCTCTGGCTCTCATCAGCCGCCAAGAGG-3'
Protein context (NP_001357587.1, residues 32-52): HHEAEYYVAA[Val42Met]YEHPSILSLN